The following is an entry in ClinVar:

NM_032043.3(BRIP1):c.3507C>G (p.Asp1169Glu)

Gene: BRIP1 (BRCA1 interacting DNA helicase 1; minus strand). Cytogenetic location: 17q23.2.
Variant type: single nucleotide variant.
Coding change: c.3507C>G on transcript NM_032043.3 (MANE Select); coding-DNA position 3507, C replaced by G.
Protein change: p.Asp1169Glu; replaces aspartic acid 1169 with glutamic acid.
Molecular consequence: missense variant.
Genome position (GRCh38, 1-based): chr17:61,683,539, G>C on the plus strand (C>G on the coding strand, the complement: BRIP1 is on the minus strand). VCF-style: chr17-61683539-G-C. GRCh37 (hg19) VCF-style: chr17-59760900-G-C.
Other names: short protein forms D1169E.
Identifiers: ClinVar variation 965739 (VCV000965739.10), dbSNP rs375741316, ClinGen allele CA400478491.
Genomic context (GRCh38, chr17:61,683,539, plus strand): 5'-ATCCTCAGCTTTCACTTCTCTGGCTGAATCTACTTCTTTTATAGTTCTAATTTCAAAAAG[G>C]TCTTTAGCTAAAATGCAATCTGAATTGTTAGCCAATCTATTTCCTCTATCAGTTTCAGCT-3'
Protein context (NP_114432.2, residues 1159-1179): ANNSDCILAK[Asp1169Glu]LFEIRTIKEV

ClinVar aggregate classification (germline): Uncertain significance (1 of 4 stars; one submission).

Conditions:
Fanconi anemia complementation group J. Also called: BRIP1-Related Fanconi Anemia. Identifiers: Orphanet 84, MedGen C1836860, MONDO:0012187, OMIM 609054.
Familial cancer of breast. Also called: BREAST CANCER, FAMILIAL; Hereditary breast cancer; hereditary breast carcinoma. Identifiers: Orphanet 227535, MedGen C0346153, MONDO:0016419, OMIM 114480. Disease mechanism: loss of function.

Submission:

Labcorp Genetics (formerly Invitae), Labcorp
Classification: Uncertain significance for Familial cancer of breast; Fanconi anemia complementation group J. Last evaluated: 2019-11-05. Review status: criteria provided, single submitter. Criteria: Invitae Variant Classification Sherloc (09022015). Collection method: clinical testing. Allele origin: germline.
Comment: In summary, the available evidence is currently insufficient to determine the role of this variant in disease. Therefore, it has been classified as a Variant of Uncertain Significance. Algorithms developed to predict the effect of missense changes on protein structure and function output the following: SIFT: "Tolerated"; PolyPhen-2: "Benign"; Align-GVGD: "Class C0". The glutamic acid amino acid residue is found in multiple mammalian species, suggesting that this missense change does not adversely affect protein function. These predictions have not been confirmed by published functional studies and their clinical significance is uncertain. This variant has not been reported in the literature in individuals with BRIP1-related conditions. This variant is not present in population databases (ExAC no frequency). This sequence change replaces aspartic acid with glutamic acid at codon 1169 of the BRIP1 protein (p.Asp1169Glu). The aspartic acid residue is weakly conserved and there is a small physicochemical difference between aspartic acid and glutamic acid.